The following is an entry in ClinVar:

ClinVar aggregate classification (germline): Uncertain significance (1 of 4 stars; one submission).

Submission:

Labcorp Genetics (formerly Invitae), Labcorp
Classification: Uncertain significance. Last evaluated: 2022-07-06. Review status: criteria provided, single submitter. Criteria: Invitae Variant Classification Sherloc (09022015). Collection method: clinical testing. Allele origin: germline.
Comment: In summary, the available evidence is currently insufficient to determine the role of this variant in disease. Therefore, it has been classified as a Variant of Uncertain Significance. Advanced modeling of protein sequence and biophysical properties (such as structural, functional, and spatial information, amino acid conservation, physicochemical variation, residue mobility, and thermodynamic stability) performed at Invitae indicates that this missense variant is not expected to disrupt COL2A1 protein function. ClinVar contains an entry for this variant (Variation ID: 1514355). This variant has not been reported in the literature in individuals affected with COL2A1-related conditions. This variant is not present in population databases (gnomAD no frequency). This sequence change replaces phenylalanine, which is neutral and non-polar, with leucine, which is neutral and non-polar, at codon 664 of the COL2A1 protein (p.Phe664Leu).

NM_001844.5(COL2A1):c.1990T>C (p.Phe664Leu)

Gene: COL2A1 (collagen type II alpha 1 chain; minus strand). Cytogenetic location: 12q13.11.
Variant type: single nucleotide variant.
Coding change: c.1990T>C on transcript NM_001844.5 (MANE Select); coding-DNA position 1990, T replaced by C.
Protein change: p.Phe664Leu; replaces phenylalanine 664 with leucine.
Molecular consequence: missense variant.
Genome position (GRCh38, 1-based): chr12:47,983,688, A>G on the plus strand (T>C on the coding strand, the complement: COL2A1 is on the minus strand). VCF-style: chr12-47983688-A-G. GRCh37 (hg19) VCF-style: chr12-48377471-A-G.
Other names: c.1783T>C, p.Phe595Leu (NM_033150.3); short protein forms F595L, F664L.
Identifiers: ClinVar variation 1514355 (VCV001514355.8), dbSNP rs2136556644, ClinGen allele CA384548323.